The following is an entry in ClinVar:

NM_000219.6(KCNE1):c.-118A>C

Gene: KCNE1 (potassium voltage-gated channel subfamily E regulatory subunit 1; minus strand). Cytogenetic location: 21q22.12.
Variant type: single nucleotide variant.
Coding change: c.-118A>C on transcript NM_000219.6 (MANE Select); 118 bases upstream of the start codon, A replaced by C.
Molecular consequence: 5 prime UTR variant. On other transcripts: intron variant (1).
Genome position (GRCh38, 1-based): chr21:34,458,721, T>G on the plus strand (A>C on the coding strand, the complement: KCNE1 is on the minus strand). VCF-style: chr21-34458721-T-G. GRCh37 (hg19) VCF-style: chr21-35831019-T-G.
Other names: c.-118A>C (NM_001127668.4, NM_001127669.4, NM_001270402.3 and 2 more transcripts); c.-50-9037A>C (NM_001270404.3).
Identifiers: ClinVar variation 388971 (VCV000388971.1), dbSNP rs1057523291, ClinGen allele CA16608051.

ClinVar aggregate classification (germline): Likely benign (1 of 4 stars; one submission).

Submission:

GeneDx
Classification: Likely benign. Last evaluated: 2016-09-01. Review status: criteria provided, single submitter. Criteria: GeneDx Variant Classification (06012015). Collection method: clinical testing. Allele origin: germline. Affected: yes.
Comment: This variant is considered likely benign or benign based on one or more of the following criteria: it is a conservative change, it occurs at a poorly conserved position in the protein, it is predicted to be benign by multiple in silico algorithms, and/or has population frequency not consistent with disease.